The following is an entry in ClinVar:

ClinVar aggregate classification (germline): Conflicting classifications of pathogenicity. Review status: criteria provided, conflicting classifications (1 of 4 stars). 6 submissions from 6 submitters: Uncertain significance (4); Likely benign (2). Last evaluated 2026-04-08.

Conditions:
MEN1-related disorder. Also called: MEN1-related condition.
Hereditary cancer-predisposing syndrome. Also called: Neoplastic Syndromes, Hereditary; Hereditary neoplastic syndrome; Hereditary Cancer Syndrome; Tumor predisposition. Identifiers: Orphanet 140162, MedGen C0027672, MeSH D009386, MONDO:0015356.
Multiple endocrine neoplasia, type 1 (MEN1). Also called: Endocrine adenomatosis multiple; MEN 1; MEA I; MEN I; WERMER SYNDROME. Identifiers: Orphanet 652, MedGen C0025267, MeSH D018761, MONDO:0007540, OMIM 131100.

Submissions (6):

PreventionGenetics, part of Exact Sciences
Classification: Likely benign for MEN1-related condition. Last evaluated: 2026-04-08. Review status: criteria provided, single submitter. Criteria: ACMG Guidelines, 2015. Collection method: clinical testing. Allele origin: germline.
Comment: This variant is classified as likely benign based on ACMG/AMP sequence variant interpretation guidelines (Richards et al. 2015 PMID: 25741868, with internal and published modifications).

Color Diagnostics, LLC DBA Color Health
Classification: Uncertain significance for Multiple endocrine neoplasia, type 1. Last evaluated: 2024-10-21. Review status: criteria provided, single submitter. Criteria: ACMG Guidelines, 2015. Collection method: clinical testing. Allele origin: germline.
Comment: This variant inserts 7 nucleotides in 5' untranslated region in the MEN1 gene. Although this variant does not directly alter the coding sequence for MEN1, it introduces sequence changes near the conserved Kozak consensus sequence important for translation initiation (PMID: 3313277). To our knowledge, functional studies have not been reported for this variant. This variant has not been reported in individuals affected with hereditary cancer in the literature. This variant has not been identified in the general population by the Genome Aggregation Database (gnomAD). The available evidence is insufficient to determine the role of this variant in disease conclusively. Therefore, this variant is classified as a Variant of Uncertain Significance.

All of Us Research Program, National Institutes of Health
Classification: Uncertain significance for Multiple endocrine neoplasia, type 1. Last evaluated: 2024-09-09. Review status: criteria provided, single submitter. Criteria: ACMG Guidelines, 2015. Collection method: clinical testing. Allele origin: germline. Inheritance: Autosomal dominant inheritance. Observed: 9 variant alleles, 9 heterozygotes.
Comment: This variant inserts 7 nucleotides in 5' untranslated region in the MEN1 gene. Although this variant does not directly alter the coding sequence for MEN1, it introduces sequence changes near the conserved Kozak consensus sequence important for translation initiation (PMID: 3313277). To our knowledge, functional studies have not been reported for this variant. This variant has not been reported in individuals affected with hereditary cancer in the literature. This variant has not been identified in the general population by the Genome Aggregation Database (gnomAD). The available evidence is insufficient to determine the role of this variant in disease conclusively. Therefore, this variant is classified as a Variant of Uncertain Significance.

This study involves interpretation of variants in research participants for the purpose of population health screening. Participant phenotype was not available at the time of variant classification. Additional details can be found in publication PMID: 35346344, PMCID: PMC8962531

GeneDx
Classification: Uncertain significance. Last evaluated: 2022-07-05. Review status: criteria provided, single submitter. Criteria: GeneDx Variant Classification Process June 2021. Collection method: clinical testing. Allele origin: germline. Affected: yes.
Comment: Not observed at significant frequency in large population cohorts (gnomAD); Has not been previously published as pathogenic or benign to our knowledge

Mendelics
Classification: Uncertain significance. Last evaluated: 2022-05-04. Review status: criteria provided, single submitter. Criteria: Mendelics Assertion Criteria 2019. Collection method: clinical testing. Allele origin: germline.

Ambry Genetics
Classification: Likely benign for Hereditary cancer-predisposing syndrome. Last evaluated: 2022-03-01. Review status: criteria provided, single submitter. Criteria: Ambry Variant Classification Scheme 2023. Collection method: clinical testing. Allele origin: germline.

Literature cited by the submitters: PubMed 3313277 (cited by Color Diagnostics, LLC DBA Color Health and All of Us Research Program, National Institutes of Health).

NM_001370259.2(MEN1):c.-7_-1dup (p.Met1fs)

Gene: MEN1 (menin 1; minus strand). Cytogenetic location: 11q13.1.
Variant type: Duplication.
Coding change: c.-7_-1dup on transcript NM_001370259.2 (MANE Select); 7 bases upstream of the start codon through 1 bases upstream of the start codon, 7 bases duplicated (CGCCGCC; older notation c.-7_-1dupCGCCGCC).
Protein change: p.Met1fs; shifts the reading frame from methionine 1.
Molecular consequence: frameshift variant.
Genome position (GRCh38, 1-based): chr11:64,810,110-64,810,116, GGCGGCG duplicated on the plus strand (CGCCGCC on the coding strand, the reverse complement: MEN1 is on the minus strand); duplicating any 7 consecutive bases within chr11:64,810,110-64,810,121 gives the same sequence; the c. name uses the placement nearest the transcript's 3' end. VCF-style (leftmost placement, unchanged base first): chr11-64810109-T-TGGCGGCG. GRCh37 (hg19) VCF-style: chr11-64577581-T-TGGCGGCG.
Other names: c.-7_-1dup, p.Met1fs (NM_000244.4, NM_001370251.2, NM_001370260.2 and 9 more transcripts); c.-7_-1dup7 (NM_130799.2); c.-7_-1dupCGCCGCC (NM_130799.2); c.-7_-1dup (NM_130799.2); short protein forms M1fs.
Identifiers: ClinVar variation 1684882 (VCV001684882.7), dbSNP rs758960344, ClinGen allele CA6082229.